The following is an entry in ClinVar:

NM_004738.5(VAPB):c.563A>G (p.Lys188Arg)

Gene: VAPB (VAMP associated protein B and C; plus strand). Cytogenetic location: 20q13.32.
Variant type: single nucleotide variant.
Coding change: c.563A>G on transcript NM_004738.5 (MANE Select); coding-DNA position 563, A replaced by G.
Protein change: p.Lys188Arg; replaces lysine 188 with arginine.
Molecular consequence: missense variant. On other transcripts: non-coding transcript variant (1), intron variant (1).
Genome position (GRCh38, 1-based): chr20:58,441,073, A>G. VCF-style: chr20-58441073-A-G. GRCh37 (hg19) VCF-style: chr20-57016129-A-G.
Other names: c.212-3004A>G (NM_001195677.2); short protein forms K188R.
Identifiers: ClinVar variation 2164468 (VCV002164468.4), dbSNP rs1228073172, ClinGen allele CA409439862.

ClinVar aggregate classification (germline): Uncertain significance (1 of 4 stars; one submission).

Conditions:
Amyotrophic lateral sclerosis type 8 (ALS8). Identifiers: Orphanet 803, MedGen C1837728, MONDO:0012077, OMIM 608627.
Adult-onset proximal spinal muscular atrophy, autosomal dominant. Also called: FINKEL LATE-ADULT TYPE SMA; Spinal muscular atrophy, late-onset, finkel type. Identifiers: Orphanet 209335, MedGen C1854058, MONDO:0008453, OMIM 182980.

Allele frequency attached by ClinVar (database versions not stated): gnomAD exomes 0.00001.

Submission:

Labcorp Genetics (formerly Invitae), Labcorp
Classification: Uncertain significance for Adult-onset proximal spinal muscular atrophy, autosomal dominant; Amyotrophic lateral sclerosis type 8. Last evaluated: 2024-07-30. Review status: criteria provided, single submitter. Criteria: Invitae Variant Classification Sherloc (09022015). Collection method: clinical testing. Allele origin: germline.
Comment: This sequence change replaces lysine, which is basic and polar, with arginine, which is basic and polar, at codon 188 of the VAPB protein (p.Lys188Arg). This variant is present in population databases (no rsID available, gnomAD 0.02%). This variant has not been reported in the literature in individuals affected with VAPB-related conditions. ClinVar contains an entry for this variant (Variation ID: 2164468). Advanced modeling of protein sequence and biophysical properties (such as structural, functional, and spatial information, amino acid conservation, physicochemical variation, residue mobility, and thermodynamic stability) performed at Invitae indicates that this missense variant is not expected to disrupt VAPB protein function with a negative predictive value of 80%. In summary, the available evidence is currently insufficient to determine the role of this variant in disease. Therefore, it has been classified as a Variant of Uncertain Significance.